The following is an entry in ClinVar:

ClinVar aggregate classification (germline): Pathogenic (1 of 4 stars; one submission).

Conditions:
Osteogenesis imperfecta type I (OI1). Also called: Lobstein disease; Osteogenesis imperfecta type 1; Classic Non-deforming Osteogenesis Imperfecta with Blue Sclerae; OI, TYPE I; OSTEOGENESIS IMPERFECTA TARDA; OSTEOGENESIS IMPERFECTA WITH BLUE SCLERAE. Identifiers: Orphanet 216796, Orphanet 666, MedGen C0023931, MONDO:0008146, OMIM 166200. Disease mechanism: loss of function.

Submission:

Labcorp Genetics (formerly Invitae), Labcorp
Classification: Pathogenic for Osteogenesis imperfecta type I. Last evaluated: 2023-10-05. Review status: criteria provided, single submitter. Criteria: Invitae Variant Classification Sherloc (09022015). Collection method: clinical testing. Allele origin: unknown.
Comment: This variant is a gross deletion of the genomic region encompassing exon(s) 1-5 of the COL1A1 gene, which includes the initiator codon. This deletion extends beyond the assayed region for this gene and therefore may encompass additional genes. It is expected to result in an absent or disrupted protein product. Loss-of-function variants in COL1A1 are known to be pathogenic (PMID: 7942841, 9295084, 9443882). This variant has not been reported in the literature in individuals affected with COL1A1-related conditions. For these reasons, this variant has been classified as Pathogenic.

Literature cited by the submitters: PubMed 7942841; PubMed 9295084; PubMed 9443882.

NC_000017.10:g.(?_48276567)_(48278874_?)del

Gene: COL1A1 (collagen type I alpha 1 chain; minus strand). Cytogenetic location: 17q21.33.
Variant type: Deletion.
Identifiers: ClinVar variation 3242839 (VCV003242839.1).